The following is an entry in ClinVar:

NM_139343.3(BIN1):c.1774G>T (p.Val592Phe)

Gene: BIN1 (bridging integrator 1; minus strand). Cytogenetic location: 2q14.3.
Variant type: single nucleotide variant.
Coding change: c.1774G>T on transcript NM_139343.3 (MANE Select); coding-DNA position 1774, G replaced by T.
Protein change: p.Val592Phe; replaces valine 592 with phenylalanine.
Molecular consequence: missense variant.
Genome position (GRCh38, 1-based): chr2:127,048,534, C>A on the plus strand (G>T on the coding strand, the complement: BIN1 is on the minus strand). VCF-style: chr2-127048534-C-A. GRCh37 (hg19) VCF-style: chr2-127806110-C-A.
Other names: c.1357G>T, p.Val453Phe (NM_004305.4); c.1645G>T, p.Val549Phe (NM_139344.3); c.1513G>T, p.Val505Phe (NM_139345.3); c.1486G>T, p.Val496Phe (NM_139346.3); c.1549G>T, p.Val517Phe (NM_139347.3); c.1441G>T, p.Val481Phe (NM_139348.3); c.1420G>T, p.Val474Phe (NM_139349.3); c.1312G>T, p.Val438Phe (NM_139350.3); and 7 more; short protein forms V384F, V423F, V453F, V469F, V505F, V549F, V565F, V408F.
Identifiers: ClinVar variation 2916898 (VCV002916898.3), dbSNP rs199908147, ClinGen allele CA1856924.

ClinVar aggregate classification (germline): Uncertain significance (1 of 4 stars; one submission).

Conditions:
Myopathy, centronuclear, 2 (CNM2). Also called: MYOTUBULAR MYOPATHY, AUTOSOMAL RECESSIVE. Identifiers: Orphanet 169186, MedGen CN031787, MONDO:0009709, OMIM 255200.

Allele frequency attached by ClinVar (database versions not stated): ExAC 0.00002; gnomAD 0.00002; TOPMed 0.00003; gnomAD exomes 0.00007; 1000 Genomes Project 30x 0.00016; 1000 Genomes Project 0.00020.
gnomAD v4.1: 108 of 1,613,968 alleles (0.0067%); highest among the groups gnomAD compares: Non-Finnish European, 0.0089%; no homozygotes.

Submission:

Labcorp Genetics (formerly Invitae), Labcorp
Classification: Uncertain significance for Myopathy, centronuclear, 2. Last evaluated: 2024-01-02. Review status: criteria provided, single submitter. Criteria: Invitae Variant Classification Sherloc (09022015). Collection method: clinical testing. Allele origin: germline.
Comment: This sequence change replaces valine, which is neutral and non-polar, with phenylalanine, which is neutral and non-polar, at codon 592 of the BIN1 protein (p.Val592Phe). This variant is present in population databases (rs199908147, gnomAD 0.002%). This variant has not been reported in the literature in individuals affected with BIN1-related conditions. An algorithm developed to predict the effect of missense changes on protein structure and function (PolyPhen-2) suggests that this variant is likely to be disruptive. Algorithms developed to predict the effect of sequence changes on RNA splicing suggest that this variant may create or strengthen a splice site. In summary, the available evidence is currently insufficient to determine the role of this variant in disease. Therefore, it has been classified as a Variant of Uncertain Significance.